The following is an entry in ClinVar:

NM_000540.3(RYR1):c.13909A>C (p.Thr4637Pro)

Gene: RYR1 (ryanodine receptor 1; plus strand). Cytogenetic location: 19q13.2.
Variant type: single nucleotide variant.
Coding change: c.13909A>C on transcript NM_000540.3 (MANE Select); coding-DNA position 13909, A replaced by C.
Protein change: p.Thr4637Pro; replaces threonine 4637 with proline.
Molecular consequence: missense variant.
Genome position (GRCh38, 1-based): chr19:38,572,181, A>C. VCF-style: chr19-38572181-A-C. GRCh37 (hg19) VCF-style: chr19-39062821-A-C.
Other names: c.13894A>C, p.Thr4632Pro (NM_001042723.2); short protein forms T4632P, T4637P.
Identifiers: ClinVar variation 2435603 (VCV002435603.5), dbSNP rs118192166, ClinGen allele CA405681005.

ClinVar aggregate classification (germline): Conflicting classifications of pathogenicity. Review status: criteria provided, conflicting classifications (1 of 4 stars). 2 submissions from 2 submitters: Likely pathogenic (1); Uncertain significance (1). Last evaluated 2024-03-15.

Conditions:
RYR1-related disorder. Also called: RYR1-related condition; RYR1-related disorders. Identifiers: MedGen CN239331.

Submissions (2):

Labcorp Genetics (formerly Invitae), Labcorp
Classification: Likely pathogenic for RYR1-related disorder. Last evaluated: 2024-03-15. Review status: criteria provided, single submitter. Criteria: Invitae Variant Classification Sherloc (09022015). Collection method: clinical testing. Allele origin: germline.
Comment: This sequence change replaces threonine, which is neutral and polar, with proline, which is neutral and non-polar, at codon 4637 of the RYR1 protein (p.Thr4637Pro). This variant is not present in population databases (gnomAD no frequency). This variant has not been reported in the literature in individuals affected with RYR1-related conditions. ClinVar contains an entry for this variant (Variation ID: 2435603). Advanced modeling of protein sequence and biophysical properties (such as structural, functional, and spatial information, amino acid conservation, physicochemical variation, residue mobility, and thermodynamic stability) performed at Invitae indicates that this missense variant is expected to disrupt RYR1 protein function with a positive predictive value of 95%. This variant disrupts the p.Thr4637 amino acid residue in RYR1. Other variant(s) that disrupt this residue have been determined to be pathogenic (PMID: 12565913; Invitae). This suggests that this residue is clinically significant, and that variants that disrupt this residue are likely to be disease-causing. In summary, the currently available evidence indicates that the variant is pathogenic, but additional data are needed to prove that conclusively. Therefore, this variant has been classified as Likely Pathogenic.

Revvity Omics, Revvity
Classification: Uncertain significance. Last evaluated: 2019-03-27. Review status: criteria provided, single submitter. Criteria: ACMG Guidelines, 2015. Collection method: clinical testing. Allele origin: germline.

Literature cited by the submitters: PubMed 12565913 (cited by Labcorp Genetics (formerly Invitae), Labcorp).